The following is an entry in ClinVar:

ClinVar aggregate classification (germline): Uncertain significance. Review status: criteria provided, multiple submitters, no conflicts (2 of 4 stars). 5 submissions from 5 submitters: Uncertain significance (5). Last evaluated 2026-05-26.

Conditions:
Neuropathy, hereditary sensory and autonomic, type 2A (HSAN2A). Also called: ACROOSTEOLYSIS, GIACCAI TYPE; ACROOSTEOLYSIS, NEUROGENIC; MORVAN DISEASE; WNK1-Related HSAN2 (HSAN2A); NEUROPATHY, CONGENITAL SENSORY; NEUROPATHY, HEREDITARY SENSORY RADICULAR, AUTOSOMAL RECESSIVE. Identifiers: Orphanet 970, MedGen C2752089, MONDO:0024309, OMIM 201300.
Generalized epilepsy with febrile seizures plus, type 7 (GEFSP7). Also called: GEFS+, TYPE 7. Identifiers: Orphanet 36387, MedGen C2751778, MONDO:0013470, OMIM 613863.
Inborn genetic diseases. Identifiers: MedGen C0950123, MeSH D030342.
SCN9A-related disorder. Also called: SCN9A-related disorders; SCN9A-related condition.

Allele frequency attached by ClinVar (database versions not stated): ExAC 0.00002; gnomAD exomes 0.00002; gnomAD 0.00005 and 0.00006; TOPMed 0.00005.
gnomAD v4.1: 38 of 1,585,980 alleles (0.0024%); highest among the groups gnomAD compares: African/African-American, 0.0054%; no homozygotes.

Submissions (5):

PreventionGenetics, part of Exact Sciences
Classification: Uncertain significance for SCN9A-related condition. Last evaluated: 2026-05-26. Review status: criteria provided, single submitter. Criteria: ACMG Guidelines, 2015. Collection method: clinical testing. Allele origin: germline.
Comment: The SCN9A c.3533T>G variant is predicted to result in the amino acid substitution p.Val1178Gly. To our knowledge, this variant has not been reported in the literature. This variant is reported in 0.0048% of alleles in individuals of African descent in gnomAD. At this time, the clinical significance of this variant is uncertain due to the absence of conclusive functional and genetic evidence.

Labcorp Genetics (formerly Invitae), Labcorp
Classification: Uncertain significance for Neuropathy, hereditary sensory and autonomic, type 2A; Generalized epilepsy with febrile seizures plus, type 7. Last evaluated: 2025-12-12. Review status: criteria provided, single submitter. Criteria: Invitae Variant Classification Sherloc (09022015). Collection method: clinical testing. Allele origin: germline.
Comment: This sequence change replaces valine, which is neutral and non-polar, with glycine, which is neutral and non-polar, at codon 1178 of the SCN9A protein (p.Val1178Gly). This variant is present in population databases (rs761337631, gnomAD 0.005%). This variant has not been reported in the literature in individuals affected with SCN9A-related conditions. ClinVar contains an entry for this variant (Variation ID: 858525). Invitae Evidence Modeling of protein sequence and biophysical properties (such as structural, functional, and spatial information, amino acid conservation, physicochemical variation, residue mobility, and thermodynamic stability) has been performed for this missense variant. However, the output from this modeling did not meet the statistical confidence thresholds required to predict the impact of this variant on SCN9A protein function. In summary, the available evidence is currently insufficient to determine the role of this variant in disease. Therefore, it has been classified as a Variant of Uncertain Significance.

Women's Health and Genetics/Laboratory Corporation of America, LabCorp
Classification: Uncertain significance. Last evaluated: 2025-10-27. Review status: criteria provided, single submitter. Criteria: LabCorp Variant Classification Summary - May 2015. Collection method: clinical testing. Allele origin: germline.
Comment: Variant summary: SCN9A c.3533T>G (p.Val1178Gly) results in a non-conservative amino acid change in the encoded protein sequence. Algorithms developed to predict the effect of missense changes on protein structure and function all suggest that this variant is likely to be disruptive. The variant allele was found at a frequency of 2e-05 in 204298 control chromosomes. The available data on variant occurrences in the general population are insufficient to allow any conclusion about variant significance. To our knowledge, no occurrence of c.3533T>G in individuals affected with SCN9A-related conditions and no experimental evidence demonstrating its impact on protein function have been reported. ClinVar contains an entry for this variant (Variation ID: 858525). Based on the evidence outlined above, the variant was classified as uncertain significance.

Ambry Genetics
Classification: Uncertain significance for Inborn genetic diseases. Last evaluated: 2025-05-26. Review status: criteria provided, single submitter. Criteria: Ambry Variant Classification Scheme 2023. Collection method: clinical testing. Allele origin: germline.

Blueprint Genetics
Classification: Uncertain significance. Last evaluated: 2021-10-27. Review status: criteria provided, single submitter. Criteria: ACMG Guidelines, 2015. Collection method: clinical testing. Allele origin: germline.

NM_001365536.1(SCN9A):c.3566T>G (p.Val1189Gly)

Genes: SCN1A-AS1 (SCN1A and SCN9A antisense RNA 1; plus strand), SCN9A (sodium voltage-gated channel alpha subunit 9; minus strand). Cytogenetic location: 2q24.3.
Variant type: single nucleotide variant.
Coding change: c.3566T>G on transcript NM_001365536.1 (MANE Select); coding-DNA position 3566, T replaced by G.
Protein change: p.Val1189Gly; replaces valine 1189 with glycine.
Molecular consequence: missense variant.
Genome position (GRCh38, 1-based): chr2:166,242,563, A>C on the plus strand (T>G on the coding strand, the complement: SCN9A is on the minus strand). VCF-style: chr2-166242563-A-C. GRCh37 (hg19) VCF-style: chr2-167099073-A-C.
Other names: c.3533T>G, p.Val1178Gly (NM_002977.4); short protein forms V1189G, V1178G.
Identifiers: ClinVar variation 858525 (VCV000858525.13), dbSNP rs761337631, ClinGen allele CA1944029.